The following is an entry in ClinVar:

NM_000051.4(ATM):c.3505G>A (p.Glu1169Lys)

Gene: ATM (ATM serine/threonine kinase; plus strand). Cytogenetic location: 11q22.3.
Variant type: single nucleotide variant.
Coding change: c.3505G>A on transcript NM_000051.4 (MANE Select); coding-DNA position 3505, G replaced by A.
Protein change: p.Glu1169Lys; replaces glutamic acid 1169 with lysine.
Molecular consequence: missense variant.
Genome position (GRCh38, 1-based): chr11:108,281,097, G>A. VCF-style: chr11-108281097-G-A. GRCh37 (hg19) VCF-style: chr11-108151824-G-A.
Other names: c.3505G>A, p.Glu1169Lys (NM_001351834.2); short protein forms E1169K.
Identifiers: ClinVar variation 186729 (VCV000186729.25), dbSNP rs200765255, ClinGen allele CA195682.
Genomic context (GRCh38, chr11:108,281,097, plus strand): 5'-AATAGAAAATCTGTTTTACTGACGTTGATAGCTGTGGTTTTATCCTGTAGCCCTATCTGC[G>A]AAAAACAGGCTTTGTTTGCCCTGTGTAAATCTGTGAAAGAGAATGGATTAGAACCTCACC-3'
Protein context (NP_000042.3, residues 1159-1179): AVVLSCSPIC[Glu1169Lys]KQALFALCKS

ClinVar aggregate classification (germline): Uncertain significance. Review status: criteria provided, multiple submitters, no conflicts (2 of 4 stars). 9 submissions from 9 submitters: Uncertain significance (8). 1 of the submissions does not count toward it. Last evaluated 2025-06-23.

Conditions:
Hereditary cancer. Identifiers: MedGen C1333600.
ATM-related cancer predisposition. Also called: ATM-related cancer susceptibility. Identifiers: MedGen CN377759, MONDO:0700270.
Hereditary cancer-predisposing syndrome. Also called: Hereditary Cancer Syndrome; Neoplastic Syndromes, Hereditary; Tumor predisposition; Hereditary neoplastic syndrome. Identifiers: Orphanet 140162, MedGen C0027672, MeSH D009386, MONDO:0015356.
Ataxia-telangiectasia syndrome (AT). Also called: ATAXIA-TELANGIECTASIA, COMPLEMENTATION GROUP A; ATAXIA-TELANGIECTASIA, FRESNO VARIANT; Ataxia-telangiectasia; LOUIS-BAR SYNDROME; Ataxia telangiectasia (A-T); Ataxia-telangiectasia, complementation group D. Identifiers: Orphanet 100, MedGen C0004135, MONDO:0008840, OMIM 208900.

Allele frequency attached by ClinVar (database versions not stated): gnomAD 0.00001; gnomAD exomes 0.00001 and below 0.00001; ExAC 0.00001; TOPMed 0.00002; 1000 Genomes Project 30x 0.00016; 1000 Genomes Project 0.00020.
gnomAD v4.1: 11 of 1,613,870 alleles (0.00068%); highest among the groups gnomAD compares: Non-Finnish European, 0.00085%; no homozygotes.

Submissions (9):

Mendelics
Classification: Uncertain significance for Hereditary cancer. Last evaluated: 2025-06-23. Review status: criteria provided, single submitter. Criteria: ACMG Guidelines, 2015. Collection method: clinical testing. Allele origin: unknown.
Comment: The available evidence is insufficient to conclusively determine the role of this variant. Therefore, it is classified as a Variant of Uncertain Significance.

Color Diagnostics, LLC DBA Color Health
Classification: Uncertain significance for Hereditary cancer-predisposing syndrome. Last evaluated: 2025-02-24. Review status: criteria provided, single submitter. Criteria: ACMG Guidelines, 2015. Collection method: clinical testing. Allele origin: germline.
Comment: This missense variant replaces glutamic acid with lysine at codon 1169 of the ATM protein. Computational prediction suggests that this variant may not impact protein structure and function. To our knowledge, functional studies have not been reported for this variant. This variant has been reported in individuals affected with breast cancer (39541563) and an unspecified advanced cancer (PMID 28873162). In a large international case-control study, this variant was reported in 1/60465 breast cancer cases and absent in 53461 controls (OR=1.768, 95%CI 0.059 to 52.713, p-value=1; PMID: 33471991). This variant has been identified in 1/251336 chromosomes in the general population by the Genome Aggregation Database (gnomAD). The available evidence is insufficient to determine the role of this variant in disease conclusively. Therefore, this variant is classified as a Variant of Uncertain Significance.

Labcorp Genetics (formerly Invitae), Labcorp
Classification: Uncertain significance for Ataxia-telangiectasia syndrome. Last evaluated: 2025-01-30. Review status: criteria provided, single submitter. Criteria: Invitae Variant Classification Sherloc (09022015). Collection method: clinical testing. Allele origin: germline.
Comment: This sequence change replaces glutamic acid, which is acidic and polar, with lysine, which is basic and polar, at codon 1169 of the ATM protein (p.Glu1169Lys). This variant is present in population databases (rs200765255, gnomAD 0.0009%). This missense change has been observed in individual(s) with male breast cancer and other unspecified cancer (PMID: 28873162, 30613976). ClinVar contains an entry for this variant (Variation ID: 186729). Invitae Evidence Modeling of protein sequence and biophysical properties (such as structural, functional, and spatial information, amino acid conservation, physicochemical variation, residue mobility, and thermodynamic stability) has been performed for this missense variant. However, the output from this modeling did not meet the statistical confidence thresholds required to predict the impact of this variant on ATM protein function. RNA analysis performed to evaluate the impact of this missense change on mRNA splicing indicates it does not significantly alter splicing (internal data). In summary, the available evidence is currently insufficient to determine the role of this variant in disease. Therefore, it has been classified as a Variant of Uncertain Significance.

Ambry Genetics
Classification: Uncertain significance for Hereditary cancer-predisposing syndrome. Last evaluated: 2025-01-22. Review status: criteria provided, single submitter. Criteria: Ambry Variant Classification Scheme 2023. Collection method: clinical testing. Allele origin: germline.
Comment: The p.E1169K variant (also known as c.3505G>A), located in coding exon 23 of the ATM gene, results from a G to A substitution at nucleotide position 3505. The glutamic acid at codon 1169 is replaced by lysine, an amino acid with similar properties. This alteration was detected in a cohort of 523 Italian male breast cancer patients (Rizzolo P et al. Int J Cancer, 2019 Jul;145:390-400). This alteration was also identified in a cohort of 1040 patients with advanced cancer; however, specific clinical information on this individual was not provided (Mandelker D et al. JAMA, 2017 09;318:825-835). This amino acid position is highly conserved in available vertebrate species. In addition, this alteration is predicted to be deleterious by in silico analysis. Based on the available evidence, the clinical significance of this variant remains unclear.

Department of Pathology and Laboratory Medicine, Sinai Health System
Classification: Uncertain significance for ATM-related cancer predisposition. Last evaluated: 2023-12-11. Review status: criteria provided, single submitter. Criteria: ACMG Guidelines, 2015. Collection method: clinical testing. Allele origin: germline.

GeneDx
Classification: Uncertain significance. Last evaluated: 2023-04-19. Review status: criteria provided, single submitter. Criteria: GeneDx Variant Classification Process June 2021. Collection method: clinical testing. Allele origin: germline. Affected: yes.
Comment: Not observed at significant frequency in large population cohorts (gnomAD); In silico analysis supports that this missense variant has a deleterious effect on protein structure/function; Identified in individuals with male breast and other cancers (Rizzolo et al., 2019; Mandelker et al., 2017); This variant is associated with the following publications: (PMID: 28652578, 28873162, 30287823, 31214711, 30613976)

Athena Diagnostics
Classification: Uncertain significance. Last evaluated: 2022-12-28. Review status: criteria provided, single submitter. Criteria: Athena Diagnostics Criteria. Collection method: clinical testing. Allele origin: unknown.
Comment: Available data are insufficient to determine the clinical significance of the variant at this time. The frequency of this variant in the general population is uninformative in assessment of its pathogenicity. Computational tools predict that this variant is damaging.

PreventionGenetics, part of Exact Sciences
Classification: Uncertain significance. Last evaluated: 2017-10-20. Review status: criteria provided, single submitter. Criteria: ACMG Guidelines, 2015. Collection method: clinical testing. Allele origin: germline.

Natera, Inc.
Classification: Uncertain significance for Ataxia-telangiectasia. Last evaluated: 2020-09-16. Review status: no assertion criteria provided. Collection method: clinical testing. Allele origin: germline. Not counted in ClinVar's aggregate classification.

Literature cited by the submitters: PubMed 28873162 (cited by 5 submitters); PubMed 30613976 (cited by 4 submitters); PubMed 28652578 (cited by 3 submitters); PubMed 29641532 (cited by Ambry Genetics and Athena Diagnostics); PubMed 30287823 (cited by Ambry Genetics and Athena Diagnostics); PubMed 31214711 (cited by 3 submitters); PubMed 33471991 (cited by Department of Pathology and Laboratory Medicine, Sinai Health System).